The following is an entry in ClinVar:

NM_001614.5(ACTG1):c.957C>T (p.Ala319=)

Gene: ACTG1 (actin gamma 1; minus strand). Cytogenetic location: 17q25.3.
Variant type: single nucleotide variant.
Coding change: c.957C>T on transcript NM_001614.5 (MANE Select); coding-DNA position 957, C replaced by T.
Protein change: p.Ala319=; no amino-acid change (alanine 319 retained).
Molecular consequence: synonymous variant. On other transcripts: non-coding transcript variant (1).
Genome position (GRCh38, 1-based): chr17:81,510,954, G>A on the plus strand (C>T on the coding strand, the complement: ACTG1 is on the minus strand). VCF-style: chr17-81510954-G-A. GRCh37 (hg19) VCF-style: chr17-79477980-G-A.
Other names: c.957C>T, p.Ala319= (NM_001199954.3).
Identifiers: ClinVar variation 227173 (VCV000227173.6), dbSNP rs377745600, ClinGen allele CA8835895.
Genomic context (GRCh38, chr17:81,510,954, plus strand): 5'-GCCAGGCAGAGGGCCACCAACCCCTCGACTCACCTTGATCTTCATGGTGCTGGGCGCCAG[G>A]GCGGTGATCTCCTTCTGCATCCTGTCGGCAATGCCCGGGTACATGGTGGTGCCGCCCGAC-3'
Protein context (NP_001605.1, residues 309-329): IADRMQKEIT[Ala319=]LAPSTMKIKI

ClinVar aggregate classification (germline): Likely benign. Review status: criteria provided, multiple submitters, no conflicts (2 of 4 stars). 3 submissions from 3 submitters: Likely benign (3). Last evaluated 2025-07-02.

Conditions:
Baraitser-winter syndrome 2. Identifiers: Orphanet 2995, MedGen C3281235, MONDO:0013812, OMIM 614583.
Autosomal dominant nonsyndromic hearing loss 20. Identifiers: Orphanet 90635, MedGen C1858172, MONDO:0011480, OMIM 604717.

Allele frequency attached by ClinVar (database versions not stated): ExAC 0.00002; gnomAD exomes 0.00002 and 0.00003; TOPMed 0.00002; gnomAD 0.00003; ESP Exome Variant Server 0.00008.
gnomAD v4.1: 44 of 1,613,994 alleles (0.0027%); highest among the groups gnomAD compares: Non-Finnish European, 0.0036%; no homozygotes.

Submissions (3):

Labcorp Genetics (formerly Invitae), Labcorp
Classification: Likely benign for Baraitser-winter syndrome 2; Autosomal dominant nonsyndromic hearing loss 20. Last evaluated: 2025-07-02. Review status: criteria provided, single submitter. Criteria: Invitae Variant Classification Sherloc (09022015). Collection method: clinical testing. Allele origin: germline.

Blueprint Genetics
Classification: Likely benign. Last evaluated: 2023-10-13. Review status: criteria provided, single submitter. Criteria: ACMG Guidelines, 2015. Collection method: clinical testing. Allele origin: germline.

Laboratory for Molecular Medicine, Mass General Brigham Personalized Medicine
Classification: Likely benign. Last evaluated: 2012-04-30. Review status: criteria provided, single submitter. Criteria: LMM Criteria. Collection method: clinical testing. Allele origin: germline. Observed: 1 variant allele.
Comment: Ala319Ala in Exon 05 of ACTG1: This variant is not expected to have clinical sig nificance because it does not alter an amino acid residue, is not located within the splice consensus sequence, and has been identified in 1/7020 European Ameri can chromosomes from a broad population by the NHLBI Exome Sequencing Project.